The following is an entry in ClinVar:

NM_201384.3(PLEC):c.10508C>T (p.Ala3503Val)

Gene: PLEC (plectin; minus strand). Cytogenetic location: 8q24.3.
Variant type: single nucleotide variant.
Coding change: c.10508C>T on transcript NM_201384.3 (MANE Select); coding-DNA position 10508, C replaced by T.
Protein change: p.Ala3503Val; replaces alanine 3503 with valine.
Molecular consequence: missense variant.
Genome position (GRCh38, 1-based): chr8:143,919,313, G>A on the plus strand (C>T on the coding strand, the complement: PLEC is on the minus strand). VCF-style: chr8-143919313-G-A. GRCh37 (hg19) VCF-style: chr8-144993481-G-A.
Other names: c.10589C>T, p.Ala3530Val (NM_000445.5); c.10466C>T, p.Ala3489Val (NM_201378.4); c.10442C>T, p.Ala3481Val (NM_201379.3); c.10919C>T, p.Ala3640Val (NM_201380.4); c.10412C>T, p.Ala3471Val (NM_201381.3); c.10508C>T, p.Ala3503Val (NM_201382.4); c.10520C>T, p.Ala3507Val (NM_201383.3); short protein forms A3481V, A3530V, A3471V, A3503V, A3489V, A3507V, A3640V.
Identifiers: ClinVar variation 565830 (VCV000565830.7), dbSNP rs371006283, ClinGen allele CA4924627.

ClinVar aggregate classification (germline): Uncertain significance (1 of 4 stars; one submission).

Conditions:
Epidermolysis bullosa simplex, Ogna type (EBS5A). Also called: Pidermolysis bullosa simplex 5A, Ogna type; EPIDERMOLYSIS BULLOSA SIMPLEX 5A, OGNA TYPE. Identifiers: Orphanet 79401, MedGen C0432317, MONDO:0007555, OMIM 131950.
Autosomal recessive limb-girdle muscular dystrophy type 2Q (LGMDR17). Also called: MUSCULAR DYSTROPHY, LIMB-GIRDLE, AUTOSOMAL RECESSIVE 17. Identifiers: Orphanet 254361, MedGen C3150989, MONDO:0013390, OMIM 613723.
Epidermolysis bullosa simplex 5C, with pyloric atresia (EBS5C). Also called: PLEC-Related Epidermolysis Bullosa with Pyloric Atresia; Epidermolysis bullosa simplex with pyloric atresia; PLEC1-Related Epidermolysis Bullosa with Pyloric Atresia. Identifiers: Orphanet 158684, MedGen C2677349, MONDO:0012807, OMIM 612138.
Epidermolysis bullosa simplex 5B, with muscular dystrophy (EBS5B). Also called: EPIDERMOLYSIS BULLOSA SIMPLEX AND LIMB-GIRDLE MUSCULAR DYSTROPHY; Epidermolysis bullosa simplex with muscular dystrophy. Identifiers: Orphanet 257, MedGen C2931072, MONDO:0009181, OMIM 226670.
Epidermolysis bullosa simplex with nail dystrophy (EBS5D). Identifiers: MedGen C4225309, MONDO:0014661, OMIM 616487.

Allele frequency attached by ClinVar (database versions not stated): gnomAD exomes 0.00002; ExAC 0.00003; gnomAD 0.00003; TOPMed 0.00004; ESP Exome Variant Server 0.00008.
gnomAD v4.1: 28 of 1,613,858 alleles (0.0017%); highest among the groups gnomAD compares: Middle Eastern, 0.066%; no homozygotes.

Submission:

Labcorp Genetics (formerly Invitae), Labcorp
Classification: Uncertain significance for Autosomal recessive limb-girdle muscular dystrophy type 2Q; Epidermolysis bullosa simplex, Ogna type; Epidermolysis bullosa simplex with nail dystrophy; Epidermolysis bullosa simplex 5C, with pyloric atresia; Epidermolysis bullosa simplex 5B, with muscular dystrophy. Last evaluated: 2024-08-11. Review status: criteria provided, single submitter. Criteria: Invitae Variant Classification Sherloc (09022015). Collection method: clinical testing. Allele origin: germline.
Comment: This sequence change replaces alanine, which is neutral and non-polar, with valine, which is neutral and non-polar, at codon 3530 of the PLEC protein (p.Ala3530Val). This variant is present in population databases (rs371006283, gnomAD 0.01%). This variant has not been reported in the literature in individuals affected with PLEC-related conditions. ClinVar contains an entry for this variant (Variation ID: 565830). Advanced modeling of protein sequence and biophysical properties (such as structural, functional, and spatial information, amino acid conservation, physicochemical variation, residue mobility, and thermodynamic stability) performed at Invitae indicates that this missense variant is not expected to disrupt PLEC protein function with a negative predictive value of 80%. In summary, the available evidence is currently insufficient to determine the role of this variant in disease. Therefore, it has been classified as a Variant of Uncertain Significance.